The following is an entry in ClinVar:

NM_024577.4(SH3TC2):c.1738C>A (p.Leu580Met)

Gene: SH3TC2 (SH3 domain and tetratricopeptide repeats 2; minus strand). Cytogenetic location: 5q32.
Variant type: single nucleotide variant.
Coding change: c.1738C>A on transcript NM_024577.4 (MANE Select); coding-DNA position 1738, C replaced by A.
Protein change: p.Leu580Met; replaces leucine 580 with methionine.
Molecular consequence: missense variant.
Genome position (GRCh38, 1-based): chr5:149,027,994, G>T on the plus strand (C>A on the coding strand, the complement: SH3TC2 is on the minus strand). VCF-style: chr5-149027994-G-T. GRCh37 (hg19) VCF-style: chr5-148407557-G-T.
Other names: short protein forms L580M.
Identifiers: ClinVar variation 579965 (VCV000579965.6), dbSNP rs1561765207, ClinGen allele CA361667828.

ClinVar aggregate classification (germline): Uncertain significance (1 of 4 stars; one submission).

Conditions:
Charcot-Marie-Tooth disease type 4. Also called: Charcot-Marie-Tooth disease, type IV; Charcot-Marie-Tooth, Type 4. Identifiers: Orphanet 64749, MedGen C4082197, MONDO:0018995.

gnomAD v4.1: 2 of 1,614,198 alleles (0.00012%); highest among the groups gnomAD compares: African/African-American, 0.0013%; no homozygotes.

Submission:

Labcorp Genetics (formerly Invitae), Labcorp
Classification: Uncertain significance for Charcot-Marie-Tooth disease type 4. Last evaluated: 2018-01-06. Review status: criteria provided, single submitter. Criteria: Invitae Variant Classification Sherloc (09022015). Collection method: clinical testing. Allele origin: germline.
Comment: In summary, the available evidence is currently insufficient to determine the role of this variant in disease. Therefore, it has been classified as a Variant of Uncertain Significance. Algorithms developed to predict the effect of missense changes on protein structure and function do not agree on the potential impact of this missense change (SIFT: "Deleterious"; PolyPhen-2: "Probably Damaging"; Align-GVGD: "Class C0"). This variant has not been reported in the literature in individuals with SH3TC2-related disease. This variant is not present in population databases (ExAC no frequency). This sequence change replaces leucine with methionine at codon 580 of the SH3TC2 protein (p.Leu580Met). The leucine residue is highly conserved and there is a small physicochemical difference between leucine and methionine.